The following is an entry in ClinVar:

NM_000486.6(AQP2):c.*374C>T

Genes: AQP2 (aquaporin 2; plus strand), AQP5-AS1 (AQP5 and AQP2 antisense RNA 2; minus strand). Cytogenetic location: 12q13.12.
Variant type: single nucleotide variant.
Coding change: c.*374C>T on transcript NM_000486.6 (MANE Select); 374 bases downstream of the stop codon, C replaced by T.
Molecular consequence: 3 prime UTR variant.
Genome position (GRCh38, 1-based): chr12:49,955,982, C>T. VCF-style: chr12-49955982-C-T. GRCh37 (hg19) VCF-style: chr12-50349765-C-T.
Identifiers: ClinVar variation 309241 (VCV000309241.9), dbSNP rs467323, ClinGen allele CA10633032.

ClinVar aggregate classification (germline): Benign. Review status: criteria provided, multiple submitters, no conflicts (2 of 4 stars). 3 submissions from 3 submitters: Benign (3). Last evaluated 2021-07-14.

Conditions:
Diabetes insipidus, nephrogenic, autosomal (NDI2). Also called: Nephrogenic Diabetes Insipidus, Type II; Diabetes insipidus, nephrogenic, 2, autosomal. Identifiers: Orphanet 223, MedGen C1563706, MONDO:0007451, OMIM 125800.

Allele frequency attached by ClinVar (database versions not stated): 1000 Genomes Project 0.35264; 1000 Genomes Project 30x 0.35431; TOPMed 0.50438; gnomAD 0.52411 and 0.53117; gnomAD exomes 0.60489.
gnomAD v4.1: 244,775 of 424,518 alleles (58%); highest among the groups gnomAD compares: Non-Finnish European, 72%; 79,476 homozygotes.

Submissions (3):

Genome-Nilou Lab
Classification: Benign for Diabetes insipidus, nephrogenic, autosomal. Last evaluated: 2021-07-14. Review status: criteria provided, single submitter. Criteria: ACMG Guidelines, 2015. Collection method: clinical testing. Allele origin: germline. Affected: no.

Illumina Laboratory Services, Illumina
Classification: Benign for Diabetes insipidus, nephrogenic, autosomal. Last evaluated: 2018-01-13. Review status: criteria provided, single submitter. Criteria: ICSL Variant Classification Criteria 13 December 2019. Collection method: clinical testing. Allele origin: germline.
Comment: This variant was observed in the ICSL laboratory as part of a predisposition screen in an ostensibly healthy population. It had not been previously curated by ICSL or reported in the Human Gene Mutation Database (HGMD: prior to June 1st, 2018), and was therefore a candidate for classification through an automated scoring system. Utilizing variant allele frequency, disease prevalence and penetrance estimates, and inheritance mode, an automated score was calculated to assess if this variant is too frequent to cause the disease. Based on the score and internal cut-off values, a variant classified as benign is not then subjected to further curation. The score for this variant resulted in a classification of benign for this disease.

Breakthrough Genomics
Classification: Benign. Review status: criteria provided, single submitter. Criteria: ACMG Guidelines, 2015. Collection method: not provided. Allele origin: germline. Inheritance: Autosomal dominant inheritance. Affected: yes.